The following is an entry in ClinVar:

NM_000834.5(GRIN2B):c.2202A>G (p.Ala734=)

Gene: GRIN2B (glutamate ionotropic receptor NMDA type subunit 2B; minus strand). Cytogenetic location: 12p13.1.
Variant type: single nucleotide variant.
Coding change: c.2202A>G on transcript NM_000834.5 (MANE Select); coding-DNA position 2202, A replaced by G.
Protein change: p.Ala734=; no amino-acid change (alanine 734 retained).
Molecular consequence: synonymous variant.
Genome position (GRCh38, 1-based): chr12:13,569,987, T>C on the plus strand (A>G on the coding strand, the complement: GRIN2B is on the minus strand). VCF-style: chr12-13569987-T-C. GRCh37 (hg19) VCF-style: chr12-13722921-T-C.
Identifiers: ClinVar variation 245620 (VCV000245620.31), dbSNP rs148185805, ClinGen allele CA6461092.
Genomic context (GRCh38, chr12:13,569,987, plus strand): 5'-CCCACTGCCAATGGTCACCAGCTTGCAGCCTTCATCTCTGCCTGCCATATAGTTCAGCAC[T>C]GCTGCATCATAGATGAAGGCATCCAGTTTCCTGTACAGGAAAAAAGCAAACAAATCCAAT-3'
Protein context (NP_000825.2, residues 724-744): GKLDAFIYDA[Ala734=]VLNYMAGRDE

ClinVar aggregate classification (germline): Benign/Likely benign. Review status: criteria provided, multiple submitters, no conflicts (2 of 4 stars). 6 submissions from 6 submitters: Benign (2); Likely benign (4). Last evaluated 2026-01-19.

Conditions:
Inborn genetic diseases. Identifiers: MedGen C0950123, MeSH D030342.
Intellectual developmental disorder, autosomal dominant 6, with or without seizures. Also called: Intellectual disability, autosomal dominant 6; GRIN2B-related developmental delay, intellectual disability and autism spectrum disorder. Identifiers: Orphanet 589547, MedGen C3151411, MONDO:0013509, OMIM 613970.
Developmental and epileptic encephalopathy, 27 (DEE27). Also called: Epileptic encephalopathy, early infantile, 27; GRIN2B-Related Neurodevelopmental Disorder. Identifiers: Orphanet 3451, MedGen C4015316, MONDO:0014505, OMIM 616139.

Allele frequency attached by ClinVar (database versions not stated): 1000 Genomes Project 30x 0.00047; 1000 Genomes Project 0.00060; TOPMed 0.00113; ESP Exome Variant Server 0.00161.
gnomAD v4.1: 326 of 1,613,380 alleles (0.02%); highest among the groups gnomAD compares: African/African-American, 0.38%; 1 homozygote.

Submissions (6):

Labcorp Genetics (formerly Invitae), Labcorp
Classification: Benign for Developmental and epileptic encephalopathy, 27; Intellectual developmental disorder, autosomal dominant 6, with or without seizures. Last evaluated: 2026-01-19. Review status: criteria provided, single submitter. Criteria: Invitae Variant Classification Sherloc (09022015). Collection method: clinical testing. Allele origin: germline.

CeGaT Center for Human Genetics Tuebingen
Classification: Likely benign. Last evaluated: 2024-11-01. Review status: criteria provided, single submitter. Criteria: CeGaT Center For Human Genetics Tuebingen Variant Classification Criteria Version 2. Collection method: clinical testing. Allele origin: germline. Affected: yes. Observed: 1 variant allele.
Comment: GRIN2B: BP4, BP7, BS1

Blueprint Genetics
Classification: Likely benign. Last evaluated: 2024-09-09. Review status: criteria provided, single submitter. Criteria: ACMG Guidelines, 2015. Collection method: clinical testing. Allele origin: germline.

Ambry Genetics
Classification: Likely benign for Inborn genetic diseases. Last evaluated: 2017-06-12. Review status: criteria provided, single submitter. Criteria: Ambry Variant Classification Scheme 2023. Collection method: clinical testing. Allele origin: germline.

GeneDx
Classification: Benign. Last evaluated: 2015-08-18. Review status: criteria provided, single submitter. Criteria: GeneDx Variant Classification (06012015). Collection method: clinical testing. Allele origin: germline. Affected: yes.
Comment: This variant is considered likely benign or benign based on one or more of the following criteria: it is a conservative change, it occurs at a poorly conserved position in the protein, it is predicted to be benign by multiple in silico algorithms, and/or has population frequency not consistent with disease.

Breakthrough Genomics
Classification: Likely benign. Review status: criteria provided, single submitter. Criteria: ACMG Guidelines, 2015. Collection method: not provided. Allele origin: germline. Inheritance: Autosomal dominant inheritance. Affected: yes.